The following is an entry in ClinVar:

ClinVar aggregate classification (germline): Uncertain significance (1 of 4 stars; one submission).

Submission:

Labcorp Genetics (formerly Invitae), Labcorp
Classification: Uncertain significance. Last evaluated: 2025-05-11. Review status: criteria provided, single submitter. Criteria: Invitae Variant Classification Sherloc (09022015). Collection method: clinical testing. Allele origin: germline.
Comment: This sequence change replaces proline, which is neutral and non-polar, with leucine, which is neutral and non-polar, at codon 211 of the DLX3 protein (p.Pro211Leu). This variant is not present in population databases (gnomAD no frequency). This variant has not been reported in the literature in individuals affected with DLX3-related conditions. Invitae Evidence Modeling of protein sequence and biophysical properties (such as structural, functional, and spatial information, amino acid conservation, physicochemical variation, residue mobility, and thermodynamic stability) indicates that this missense variant is not expected to disrupt DLX3 protein function with a negative predictive value of 80%. In summary, the available evidence is currently insufficient to determine the role of this variant in disease. Therefore, it has been classified as a Variant of Uncertain Significance.

NM_005220.3(DLX3):c.632C>T (p.Pro211Leu)

Gene: DLX3 (distal-less homeobox 3; minus strand). Cytogenetic location: 17q21.33.
Variant type: single nucleotide variant.
Coding change: c.632C>T on transcript NM_005220.3 (MANE Select); coding-DNA position 632, C replaced by T.
Protein change: p.Pro211Leu; replaces proline 211 with leucine.
Molecular consequence: missense variant.
Genome position (GRCh38, 1-based): chr17:49,991,749, G>A on the plus strand (C>T on the coding strand, the complement: DLX3 is on the minus strand). VCF-style: chr17-49991749-G-A. GRCh37 (hg19) VCF-style: chr17-48069113-G-A.
Other names: short protein forms P211L.
Identifiers: ClinVar variation 4763485 (VCV004763485.1).
Genomic context (GRCh38, chr17:49,991,749, plus strand): 5'-AGCTGACTGCGGGCAGGGGCCGGAGTGGAGTGGGAAGAGGTGTCCCAGAGGGCGGGTGAT[G>A]GTGGTGAGTTGCAGGCCATGGAATCACTGTTATTGGGACTGTGCTCCAGCGGCACCTCCC-3'
Protein context (NP_005211.1, residues 201-221): NSDSMACNSP[Pro211Leu]SPALWDTSSH